The following is an entry in ClinVar:

ClinVar aggregate classification (germline): Uncertain significance (1 of 4 stars; one submission).

Submission:

Labcorp Genetics (formerly Invitae), Labcorp
Classification: Uncertain significance. Last evaluated: 2022-07-19. Review status: criteria provided, single submitter. Criteria: Invitae Variant Classification Sherloc (09022015). Collection method: clinical testing. Allele origin: germline.
Comment: In summary, the available evidence is currently insufficient to determine the role of this variant in disease. Therefore, it has been classified as a Variant of Uncertain Significance. This variant has not been reported in the literature in individuals affected with CD151-related conditions. This variant is a gross deletion of the genomic region encompassing exon(s) 5-9 of the CD151 gene, which includes the termination codon. This deletion extends beyond the assayed region for this gene and therefore may encompass additional genes. While this deletion is not anticipated to lead to nonsense mediated decay, it is expected to alter mRNA translation or result in a truncated protein product.

NC_000011.9:g.(?_836749)_(838192_?)del

Gene: CD151 (CD151 molecule (Raph blood group); plus strand). Cytogenetic location: 11p15.5.
Variant type: Deletion.
Identifiers: ClinVar variation 2425076 (VCV002425076.4).